The following is an entry in ClinVar:

NM_000702.4(ATP1A2):c.1930C>T (p.Arg644Trp)

Gene: ATP1A2 (ATPase Na+/K+ transporting subunit alpha 2; plus strand). Cytogenetic location: 1q23.2.
Variant type: single nucleotide variant.
Coding change: c.1930C>T on transcript NM_000702.4 (MANE Select); coding-DNA position 1930, C replaced by T.
Protein change: p.Arg644Trp; replaces arginine 644 with tryptophan.
Molecular consequence: missense variant.
Genome position (GRCh38, 1-based): chr1:160,134,586, C>T. VCF-style: chr1-160134586-C-T. GRCh37 (hg19) VCF-style: chr1-160104376-C-T.
Other names: short protein forms R644W.
Identifiers: ClinVar variation 653622 (VCV000653622.12), dbSNP rs150784486, ClinGen allele CA1194609.

ClinVar aggregate classification (germline): Uncertain significance. Review status: criteria provided, multiple submitters, no conflicts (2 of 4 stars). 3 submissions from 2 submitters: Uncertain significance (3). Last evaluated 2024-02-23.

Conditions:
Migraine, familial hemiplegic, 2. Identifiers: Orphanet 569, MedGen C1865322, MONDO:0011232, OMIM 602481.
Alternating hemiplegia of childhood 1 (AHC1). Identifiers: Orphanet 2131, MedGen C3549447, MONDO:0007087, OMIM 104290.
Familial hemiplegic migraine. Identifiers: MedGen C0338484, MONDO:0000700.

Allele frequency attached by ClinVar (database versions not stated): TOPMed 0.00004.
gnomAD v4.1: 27 of 1,614,066 alleles (0.0017%); highest among the groups gnomAD compares: African/African-American, 0.0053%; no homozygotes.

Submissions (3):

Labcorp Genetics (formerly Invitae), Labcorp
Classification: Uncertain significance for Familial hemiplegic migraine. Last evaluated: 2024-02-23. Review status: criteria provided, single submitter. Criteria: Invitae Variant Classification Sherloc (09022015). Collection method: clinical testing. Allele origin: germline.
Comment: This sequence change replaces arginine, which is basic and polar, with tryptophan, which is neutral and slightly polar, at codon 644 of the ATP1A2 protein (p.Arg644Trp). This variant is present in population databases (rs150784486, gnomAD 0.006%). This variant has not been reported in the literature in individuals affected with ATP1A2-related conditions. ClinVar contains an entry for this variant (Variation ID: 653622). Advanced modeling of protein sequence and biophysical properties (such as structural, functional, and spatial information, amino acid conservation, physicochemical variation, residue mobility, and thermodynamic stability) has been performed at Invitae for this missense variant, however the output from this modeling did not meet the statistical confidence thresholds required to predict the impact of this variant on ATP1A2 protein function. In summary, the available evidence is currently insufficient to determine the role of this variant in disease. Therefore, it has been classified as a Variant of Uncertain Significance.

Illumina Laboratory Services, Illumina
Classification: Uncertain significance for Migraine, familial hemiplegic, 2. Last evaluated: 2018-01-13. Review status: criteria provided, single submitter. Criteria: ICSL Variant Classification Criteria 13 December 2019. Collection method: clinical testing. Allele origin: germline.

Illumina Laboratory Services, Illumina
Classification: Uncertain significance for Alternating hemiplegia of childhood 1. Last evaluated: 2018-01-13. Review status: criteria provided, single submitter. Criteria: ICSL Variant Classification Criteria 13 December 2019. Collection method: clinical testing. Allele origin: germline.